The following is an entry in ClinVar:

ClinVar aggregate classification (germline): Likely benign (1 of 4 stars; one submission).

Allele frequency attached by ClinVar (database versions not stated): TOPMed below 0.00001; gnomAD 0.00001.

Submission:

CeGaT Center for Human Genetics Tuebingen
Classification: Likely benign. Last evaluated: 2023-09-01. Review status: criteria provided, single submitter. Criteria: CeGaT Center For Human Genetics Tuebingen Variant Classification Criteria Version 2. Collection method: clinical testing. Allele origin: germline. Affected: yes. Observed: 1 variant allele.
Comment: DGKZ: BP4

NM_001199267.2(DGKZ):c.1888G>A (p.Ala630Thr)

Gene: DGKZ (diacylglycerol kinase zeta; plus strand). Cytogenetic location: 11p11.2.
Variant type: single nucleotide variant.
Coding change: c.1888G>A on transcript NM_001199267.2 (MANE Select); coding-DNA position 1888, G replaced by A.
Protein change: p.Ala630Thr; replaces alanine 630 with threonine.
Molecular consequence: missense variant.
Genome position (GRCh38, 1-based): chr11:46,375,612, G>A. VCF-style: chr11-46375612-G-A. GRCh37 (hg19) VCF-style: chr11-46397162-G-A.
Other names: c.2455G>A, p.Ala819Thr (NM_001105540.2); c.1891G>A, p.Ala631Thr (NM_001199266.2, NM_003646.4); c.1822G>A, p.Ala608Thr (NM_001199268.2); c.1939G>A, p.Ala647Thr (NM_201532.3); c.1903G>A, p.Ala635Thr (NM_201533.3); short protein forms A608T, A630T, A631T, A635T, A647T, A819T.
Identifiers: ClinVar variation 2641747 (VCV002641747.24), dbSNP rs778036571, ClinGen allele CA5962981.
Genomic context (GRCh38, chr11:46,375,612, plus strand): 5'-CGCATCCGCATCGCCCTGCGCAACCAGGCCACCATGGTGCAGAAGGCCAAGCGGCGGAGC[G>A]CCGCCCCCCTGCACAGCGAGTACGTCCCACCCTGCCACGTGCCCTGGGTGCCAAGGCCAG-3'
Protein context (NP_001186196.1, residues 620-640): TMVQKAKRRS[Ala630Thr]APLHSDQQPV